The following is an entry in ClinVar:

ClinVar aggregate classification (germline): Pathogenic (1 of 4 stars; one submission).

Conditions:
Carney-Stratakis syndrome. Also called: PARAGANGLIOMA AND GASTROINTESTINAL STROMAL TUMOR. Identifiers: Orphanet 97286, MedGen C1847319, MONDO:0011740, OMIM 606864.
Pheochromocytoma. Also called: MAX-Related Hereditary Paraganglioma-Pheochromocytoma Syndrome. Identifiers: Orphanet 29072, MedGen C0031511, MONDO:0008233, OMIM 171300, HP:0002666.
Cowden syndrome 3 (CWS3). Identifiers: Orphanet 201, MedGen CN166604, MONDO:0014045.
Paragangliomas with sensorineural hearing loss. Identifiers: MedGen C1868633.

Submission:

Labcorp Genetics (formerly Invitae), Labcorp
Classification: Pathogenic for Carney-Stratakis syndrome; Paragangliomas with sensorineural hearing loss; Pheochromocytoma; Cowden syndrome 3. Last evaluated: 2021-05-20. Review status: criteria provided, single submitter. Criteria: Invitae Variant Classification Sherloc (09022015). Collection method: clinical testing. Allele origin: germline.
Comment: This variant is not present in population databases (ExAC no frequency). For these reasons, this variant has been classified as Pathogenic. This variant disrupts the C-terminus of the SDHD protein. Other variant(s) that disrupt this region (p.Leu128Phefs*7) have been determined to be pathogenic (PMID: 11897817). This suggests that variants that disrupt this region of the protein are likely to be causative of disease. This variant has not been reported in the literature in individuals with SDHD-related conditions. This sequence change creates a premature translational stop signal (p.Leu95Ilefs*20) in the SDHD gene. While this is not anticipated to result in nonsense mediated decay, it is expected to disrupt the last 65 amino acid(s) of the SDHD protein.

Literature cited by the submitters: PubMed 11897817.

NM_003002.4(SDHD):c.281_282insAATA (p.Leu95fs)

Gene: SDHD (succinate dehydrogenase complex subunit D; plus strand). Cytogenetic location: 11q23.1.
Variant type: Insertion.
Coding change: c.281_282insAATA on transcript NM_003002.4 (MANE Select); coding-DNA positions 281 to 282, AATA inserted.
Protein change: p.Leu95fs; shifts the reading frame from leucine 95.
Molecular consequence: frameshift variant. On other transcripts: non-coding transcript variant (1), intron variant (1).
Genome position: GRCh38 VCF-style: chr11-112088978-C-CAATA. GRCh37 (hg19) VCF-style: chr11-111959702-C-CAATA.
Other names: c.164_165insAATA, p.Leu56fs (NM_001276504.2); c.281_282insAATA, p.Leu95fs (NM_001276506.2); c.169+1005_169+1006insAATA (NM_001276503.2); short protein forms L56fs, L95fs.
Identifiers: ClinVar variation 1372650 (VCV001372650.8), dbSNP rs2135269697, ClinGen allele CA2573146861.